The following is an entry in ClinVar:

ClinVar aggregate classification (germline): Uncertain significance. Review status: criteria provided, single submitter (1 of 4 stars). 2 submissions from 2 submitters: Uncertain significance (1). 1 of the submissions does not count toward it. Last evaluated 2022-09-30.

Conditions:
Fanconi anemia, complementation group W. Identifiers: MedGen C4521564, MONDO:0044325, OMIM 617784.

Submissions (2):

Labcorp Genetics (formerly Invitae), Labcorp
Classification: Uncertain significance. Last evaluated: 2022-09-30. Review status: criteria provided, single submitter. Criteria: Invitae Variant Classification Sherloc (09022015). Collection method: clinical testing. Allele origin: germline.
Comment: In summary, the available evidence is currently insufficient to determine the role of this variant in disease. Therefore, it has been classified as a Variant of Uncertain Significance. ClinVar contains an entry for this variant (Variation ID: 446411). This variant is also known as c.205_206dupCC, p.L69Pfs*12. This premature translational stop signal has been observed in individual(s) with Fanconi anemia (PMID: 28691929). This variant is present in population databases (no rsID available, gnomAD 0.0009%). This sequence change creates a premature translational stop signal (p.Leu69Profs*13) in the RFWD3 gene. It is expected to result in an absent or disrupted protein product. However, the current clinical and genetic evidence is not sufficient to establish whether loss-of-function variants in RFWD3 cause disease.

OMIM
Classification: Pathogenic for FANCONI ANEMIA, COMPLEMENTATION GROUP W (1 patient). Last evaluated: 2017-11-28. Review status: no assertion criteria provided. Collection method: literature only. Allele origin: germline. Not counted in ClinVar's aggregate classification.

Literature cited by the submitters: PubMed 28691929 (cited by Labcorp Genetics (formerly Invitae), Labcorp and OMIM).

NM_018124.4(RFWD3):c.204_205dup (p.Leu69fs)

Gene: RFWD3 (ring finger and WD repeat domain 3; minus strand). Cytogenetic location: 16q23.1.
Variant type: Duplication.
Coding change: c.204_205dup on transcript NM_018124.4 (MANE Select); coding-DNA positions 204 to 205, 2 bases duplicated (CC; older notation c.204_205dupCC).
Protein change: p.Leu69fs; shifts the reading frame from leucine 69.
Molecular consequence: frameshift variant. On other transcripts: 5 prime UTR variant (4), intron variant (1).
Genome position (GRCh38, 1-based): chr16:74,661,245-74,661,246, GG duplicated on the plus strand (CC on the coding strand, the reverse complement: RFWD3 is on the minus strand); duplicating any 2 consecutive bases within chr16:74,661,245-74,661,248 gives the same sequence; the c. name uses the placement nearest the transcript's 3' end. VCF-style (leftmost placement, unchanged base first): chr16-74661244-A-AGG. GRCh37 (hg19) VCF-style: chr16-74695142-A-AGG.
Other names: c.204_205dup, p.Leu69fs (NM_001370534.1, NM_001370535.1, NM_001370536.1); c.-805_-804dup (NM_001370537.1); c.-428_-427dup (NM_001370539.1); c.-682_-681dup (NM_001370542.1); c.-560_-559dup (NM_001370543.1); c.-317+3376_-317+3377dup (NM_001370540.1); short protein forms L69fs.
Identifiers: ClinVar variation 446411 (VCV000446411.5), dbSNP rs1205970095, ClinGen allele CA623582065.